The following is an entry in ClinVar:

ClinVar aggregate classification (germline): Likely pathogenic (1 of 4 stars; one submission).

Conditions:
Early-onset myopathy with fatal cardiomyopathy (CMYO5). Also called: Salih Myopathy; CONGENITAL MYOPATHY 5 WITH CARDIOMYOPATHY. Identifiers: Orphanet 289377, MedGen C2673677, MONDO:0012714, OMIM 611705. Disease mechanism: loss of function.
Autosomal recessive limb-girdle muscular dystrophy type 2J (LGMDR10). Also called: Limb-girdle muscular dystrophy, type 2J; MUSCULAR DYSTROPHY, LIMB-GIRDLE, AUTOSOMAL RECESSIVE 10. Identifiers: Orphanet 140922, MedGen C1837342, MONDO:0012127, OMIM 608807.

Submission:

Juno Genomics, Hangzhou Juno Genomics, Inc
Classification: Likely pathogenic for Early-onset myopathy with fatal cardiomyopathy; Autosomal recessive limb-girdle muscular dystrophy type 2J. Review status: criteria provided, single submitter. Criteria: ACMG Guidelines, 2015. Collection method: clinical testing. Allele origin: germline.
Comment: Absent from controls (or at extremely low frequency if recessive) in Genome Aggregation Database.;Null variant in a gene where loss of function (LOF) is a known mechanism of disease.

NM_001267550.2(TTN):c.24400del (p.Glu8134fs)

Gene: TTN (titin; minus strand). Cytogenetic location: 2q31.2.
Variant type: Deletion.
Coding change: c.24400del on transcript NM_001267550.2 (MANE Select); coding-DNA position 24400, one base deleted (G; older notation c.24400delG).
Protein change: p.Glu8134fs; shifts the reading frame from glutamic acid 8134.
Molecular consequence: frameshift variant. On other transcripts: intron variant (3).
Genome position (GRCh38, 1-based): chr2:178,718,800, C deleted on the plus strand (G on the coding strand, the reverse complement: TTN is on the minus strand). VCF-style (leftmost placement, unchanged base first): chr2-178718799-TC-T. GRCh37 (hg19) VCF-style: chr2-179583526-TC-T.
Other names: c.23449del, p.Glu7817fs (NM_001256850.1); c.20668del, p.Glu6890fs (NM_133378.4); c.13282+19282del (NM_003319.4); c.13858+19282del (NM_133437.4); c.13657+19282del (NM_133432.3); short protein forms E6890fs, E7817fs, E8134fs.
Identifiers: ClinVar variation 5019725 (VCV005019725.2).
Genomic context (GRCh38, chr2:178,718,799, plus strand): 5'-TTTGTAACGAGGCAAGAATAGTCTCCACTTTCTAATGGCTGCACCTCAAACAACTCCAGT[TC>T]TGTGACAAAATCTTCCAGAGAGATGTTGCATGACTCCCCAGGCACCAGTTCCCTGCTGCC-3'